The following is an entry in ClinVar:

NM_001283.5(AP1S1):c.2T>C (p.Met1Thr)

Genes: AP1S1 (adaptor related protein complex 1 subunit sigma 1; plus strand), LOC113687177 (Sharpr-MPRA regulatory region 5920; plus strand). Cytogenetic location: 7q22.1.
Variant type: single nucleotide variant.
Coding change: c.2T>C on transcript NM_001283.5 (MANE Select); coding-DNA position 2, T replaced by C.
Protein change: p.Met1Thr; changes the start codon (methionine 1).
Molecular consequence: missense variant, initiator codon variant.
Genome position (GRCh38, 1-based): chr7:101,154,516, T>C. VCF-style: chr7-101154516-T-C. GRCh37 (hg19) VCF-style: chr7-100797797-T-C.
Other names: short protein forms M1T.
Identifiers: ClinVar variation 953816 (VCV000953816.8), dbSNP rs1381384925, ClinGen allele CA368620498.

ClinVar aggregate classification (germline): Uncertain significance (1 of 4 stars; one submission).

Allele frequency attached by ClinVar (database versions not stated): gnomAD exomes 0.00001; TOPMed 0.00001; gnomAD 0.00002.

Submission:

Labcorp Genetics (formerly Invitae), Labcorp
Classification: Uncertain significance. Last evaluated: 2026-01-22. Review status: criteria provided, single submitter. Criteria: Invitae Variant Classification Sherloc (09022015). Collection method: clinical testing. Allele origin: germline.
Comment: This sequence change affects the initiator codon of the AP1S1 mRNA. This change may impact translation initiation or efficiency. The next in-frame methionine is located at codon 2. This variant is present in population databases (no rsID available, gnomAD 0.001%). This variant has not been reported in the literature in individuals affected with AP1S1-related conditions. ClinVar contains an entry for this variant (Variation ID: 953816). Experimental studies and prediction algorithms are not available or were not evaluated, and the functional significance of this variant is currently unknown. In summary, the available evidence is currently insufficient to determine the role of this variant in disease. Therefore, it has been classified as a Variant of Uncertain Significance.